The following is an entry in ClinVar:

NM_004006.3(DMD):c.2915A>G (p.Tyr972Cys)

Gene: DMD (dystrophin; minus strand). Cytogenetic location: Xp21.1.
Variant type: single nucleotide variant.
Coding change: c.2915A>G on transcript NM_004006.3 (MANE Select); coding-DNA position 2915, A replaced by G.
Protein change: p.Tyr972Cys; replaces tyrosine 972 with cysteine.
Molecular consequence: missense variant.
Genome position (GRCh38, 1-based): chrX:32,472,198, T>C on the plus strand (A>G on the coding strand, the complement: DMD is on the minus strand). VCF-style: chrX-32472198-T-C. GRCh37 (hg19) VCF-style: chrX-32490315-T-C.
Other names: c.2891A>G, p.Tyr964Cys (NM_000109.4); c.2903A>G, p.Tyr968Cys (NM_004009.3); c.2546A>G, p.Tyr849Cys (NM_004010.3); short protein forms Y964C, Y968C, Y972C, Y849C.
Identifiers: ClinVar variation 3272374 (VCV003272374.2).

ClinVar aggregate classification (germline): Conflicting classifications of pathogenicity. Review status: criteria provided, conflicting classifications (1 of 4 stars). 2 submissions from 2 submitters: Uncertain significance (1); Likely benign (1). Last evaluated 2025-01-19.

Conditions:
Duchenne muscular dystrophy (DMD). Also called: MUSCULAR DYSTROPHY, PSEUDOHYPERTROPHIC PROGRESSIVE, DUCHENNE TYPE; Duchenne Muscular Dystrophy (DMD). Identifiers: Orphanet 98896, MedGen C0013264, MONDO:0010679, OMIM 310200.
Cardiovascular phenotype. Identifiers: MedGen CN230736.

Submissions (2):

Labcorp Genetics (formerly Invitae), Labcorp
Classification: Uncertain significance for Duchenne muscular dystrophy. Last evaluated: 2025-01-19. Review status: criteria provided, single submitter. Criteria: Invitae Variant Classification Sherloc (09022015). Collection method: clinical testing. Allele origin: germline.
Comment: This sequence change replaces tyrosine, which is neutral and polar, with cysteine, which is neutral and slightly polar, at codon 972 of the DMD protein (p.Tyr972Cys). This variant is not present in population databases (gnomAD no frequency). This variant has not been reported in the literature in individuals affected with DMD-related conditions. Invitae Evidence Modeling of protein sequence and biophysical properties (such as structural, functional, and spatial information, amino acid conservation, physicochemical variation, residue mobility, and thermodynamic stability) indicates that this missense variant is not expected to disrupt DMD protein function with a negative predictive value of 95%. In summary, the available evidence is currently insufficient to determine the role of this variant in disease. Therefore, it has been classified as a Variant of Uncertain Significance.

Ambry Genetics
Classification: Likely benign for Cardiovascular phenotype. Last evaluated: 2024-04-01. Review status: criteria provided, single submitter. Criteria: Ambry Variant Classification Scheme 2023. Collection method: clinical testing. Allele origin: germline.